The following is an entry in ClinVar:

ClinVar aggregate classification (germline): Uncertain significance. Review status: criteria provided, multiple submitters, no conflicts (2 of 4 stars). 2 submissions from 2 submitters: Uncertain significance (2). Last evaluated 2022-03-25.

Conditions:
Tremor, hereditary essential, 4 (ETM4). Identifiers: MedGen C3539195, MONDO:0013888, OMIM 614782.
Amyotrophic lateral sclerosis type 6. Also called: FUS-Related Amyotrophic Laterial Sclerosis; AMYOTROPHIC LATERAL SCLEROSIS 6 WITHOUT FRONTOTEMPORAL DEMENTIA; Amyotrophic lateral sclerosis 6, with or without frontotemporal dementia. Identifiers: Orphanet 275872, Orphanet 803, MedGen C2931786, MONDO:0011951, OMIM 608030.

Submissions (2):

GeneDx
Classification: Uncertain significance. Last evaluated: 2022-03-25. Review status: criteria provided, single submitter. Criteria: GeneDx Variant Classification Process June 2021. Collection method: clinical testing. Allele origin: germline. Affected: yes.
Comment: Observed in an individual with familial amyotrophic lateral sclerosis in the published literature (Yan et al., 2010); In-frame deletion of 4 amino acids in a non-repeat region; Not observed at significant frequency in large population cohorts (gnomAD); This variant is associated with the following publications: (PMID: 20668259)

Labcorp Genetics (formerly Invitae), Labcorp
Classification: Uncertain significance for Tremor, hereditary essential, 4; Amyotrophic lateral sclerosis type 6. Last evaluated: 2022-02-24. Review status: criteria provided, single submitter. Criteria: Invitae Variant Classification Sherloc (09022015). Collection method: clinical testing. Allele origin: germline.
Comment: This variant is also known as p.G223-G226del. In summary, the available evidence is currently insufficient to determine the role of this variant in disease. Therefore, it has been classified as a Variant of Uncertain Significance. ClinVar contains an entry for this variant (Variation ID: 969442). Experimental studies and prediction algorithms are not available or were not evaluated, and the functional significance of this variant is currently unknown. This variant, c.675_686del, results in the deletion of 4 amino acid(s) of the FUS protein (p.Gly228_Gly231del), but otherwise preserves the integrity of the reading frame. This variant is not present in population databases (gnomAD no frequency). This variant has been observed in individual(s) with amyotrphic lateral sclerosis (PMID: 20668259).

Literature cited by the submitters: PubMed 20668259 (cited by Labcorp Genetics (formerly Invitae), Labcorp).

NM_004960.4(FUS):c.669CGG[2] (p.Gly228_Gly231del)

Gene: FUS (FUS RNA binding protein; plus strand). Cytogenetic location: 16p11.2.
Variant type: Microsatellite.
Coding change: c.669CGG[2] on transcript NM_004960.4 (MANE Select); two copies in a row of the 3-base unit CGG starting at c.669; the reference has six copies in a row; four copies, 12 bases deleted.
Protein change: p.Gly228_Gly231del.
Molecular consequence: inframe deletion. On other transcripts: non-coding transcript variant (1).
Genome position (GRCh38, 1-based): chr16:31,185,090-31,185,101, CGGCGGCGGCGG deleted; deleting any 12 consecutive bases within chr16:31,185,082-31,185,101 gives the same sequence; the position shown is the placement nearest the transcript's 3' end. VCF-style (leftmost placement, unchanged base first): chr16-31185081-TGGCGGCGGCGGC-T. GRCh37 (hg19) VCF-style: chr16-31196402-TGGCGGCGGCGGC-T.
Other names: c.666CGG[2], p.Gly227_Gly230del (NM_001170634.1); c.657CGG[2], p.Gly224_Gly227del (NM_001170937.1).
Identifiers: ClinVar variation 969442 (VCV000969442.12), dbSNP rs72550890, ClinGen allele CA8023742.